The following is an entry in ClinVar:

ClinVar aggregate classification (germline): Uncertain significance. Review status: criteria provided, multiple submitters, no conflicts (2 of 4 stars). 2 submissions from 2 submitters: Uncertain significance (2). Last evaluated 2023-05-05.

Conditions:
RASA2-related disorder. Also called: RASA2-related condition.

gnomAD v4.1: 6 of 1,601,136 alleles (0.00037%); highest among the groups gnomAD compares: South Asian, 0.0011%; no homozygotes.

Submissions (2):

PreventionGenetics, part of Exact Sciences
Classification: Uncertain significance for RASA2-related condition. Last evaluated: 2023-05-05. Review status: criteria provided, single submitter. Criteria: ACMG Guidelines, 2015. Collection method: clinical testing. Allele origin: germline.
Comment: The RASA2 c.1978G>A variant is predicted to result in the amino acid substitution p.Val660Met. To our knowledge, this variant has not been reported in the literature or in a large population database, indicating this variant is rare. At this time, the clinical significance of this variant is uncertain due to the absence of conclusive functional and genetic evidence.

Ambry Genetics
Classification: Uncertain significance. Last evaluated: 2023-05-04. Review status: criteria provided, single submitter. Criteria: Ambry Variant Classification Scheme 2023. Collection method: clinical testing. Allele origin: germline.
Comment: The p.V660M variant (also known as c.1978G>A), located in coding exon 20 of the RASA2 gene, results from a G to A substitution at nucleotide position 1978. The valine at codon 660 is replaced by methionine, an amino acid with highly similar properties. This amino acid position is conserved. In addition, the in silico prediction for this alteration is inconclusive. Since supporting evidence is limited at this time, the clinical significance of this alteration remains unclear.

NM_006506.5(RASA2):c.1978G>A (p.Val660Met)

Gene: RASA2 (RAS p21 protein activator 2; plus strand). Cytogenetic location: 3q23.
Variant type: single nucleotide variant.
Coding change: c.1978G>A on transcript NM_006506.5 (MANE Select); coding-DNA position 1978, G replaced by A.
Protein change: p.Val660Met; replaces valine 660 with methionine.
Molecular consequence: missense variant.
Genome position (GRCh38, 1-based): chr3:141,607,722, G>A. VCF-style: chr3-141607722-G-A. GRCh37 (hg19) VCF-style: chr3-141326564-G-A.
Other names: c.1981G>A, p.Val661Met (NM_001303245.3); c.1990G>A, p.Val664Met (NM_001303246.3); c.1978G>A (NM_006506.3); short protein forms V664M, V660M, V661M.
Identifiers: ClinVar variation 2562697 (VCV002562697.3), dbSNP rs2478869067, ClinGen allele CA354773618.
Genomic context (GRCh38, chr3:141,607,722, plus strand): 5'-TTTTTTTATTATTTAGGCAAAGATGCAATCTACACAATCCCAGTAAAAAACATTCTTGCT[G>A]TGGAAAAACTGGAAGAGAGCTCTTTCAACAAGAAAAATGTAAGTTATGTAAATAAATATT-3'
Protein context (NP_006497.2, residues 650-670): YTIPVKNILA[Val660Met]EKLEESSFNK